The following is an entry in ClinVar:

NM_001382241.1(TNPO2):c.427T>C (p.Cys143Arg)

Gene: TNPO2 (transportin 2; minus strand). Cytogenetic location: 19p13.13.
Variant type: single nucleotide variant.
Coding change: c.427T>C on transcript NM_001382241.1 (MANE Select); coding-DNA position 427, T replaced by C.
Protein change: p.Cys143Arg; replaces cysteine 143 with arginine.
Molecular consequence: missense variant. On other transcripts: non-coding transcript variant (6).
Genome position (GRCh38, 1-based): chr19:12,715,638, A>G on the plus strand (T>C on the coding strand, the complement: TNPO2 is on the minus strand). VCF-style: chr19-12715638-A-G. GRCh37 (hg19) VCF-style: chr19-12826452-A-G.
Other names: c.427T>C, p.Cys143Arg (NM_001136195.2, NM_001136196.2, NM_001382236.1 and 7 more transcripts); short protein forms C143R.
Identifiers: ClinVar variation 3731054 (VCV003731054.1).

ClinVar aggregate classification (germline): Uncertain significance (1 of 4 stars; one submission).

Submission:

GeneDx
Classification: Uncertain significance. Last evaluated: 2024-08-13. Review status: criteria provided, single submitter. Criteria: GeneDx Variant Classification Process June 2021. Collection method: clinical testing. Allele origin: germline. Affected: yes.
Comment: Not observed at significant frequency in large population cohorts (gnomAD); In silico analysis supports that this missense variant has a deleterious effect on protein structure/function; Has not been previously published as pathogenic or benign to our knowledge